The following is an entry in ClinVar:

ClinVar aggregate classification (germline): Uncertain significance (1 of 4 stars; one submission).

Allele frequency attached by ClinVar (database versions not stated): gnomAD exomes below 0.00001.

Submission:

Labcorp Genetics (formerly Invitae), Labcorp
Classification: Uncertain significance. Last evaluated: 2023-06-28. Review status: criteria provided, single submitter. Criteria: Invitae Variant Classification Sherloc (09022015). Collection method: clinical testing. Allele origin: germline.
Comment: This variant is present in population databases (no rsID available, gnomAD 0.0009%). This variant has not been reported in the literature in individuals affected with KMT2B-related conditions. This sequence change replaces aspartic acid, which is acidic and polar, with asparagine, which is neutral and polar, at codon 2596 of the KMT2B protein (p.Asp2596Asn). In summary, the available evidence is currently insufficient to determine the role of this variant in disease. Therefore, it has been classified as a Variant of Uncertain Significance. Advanced modeling of protein sequence and biophysical properties (such as structural, functional, and spatial information, amino acid conservation, physicochemical variation, residue mobility, and thermodynamic stability) has been performed at Invitae for this missense variant, however the output from this modeling did not meet the statistical confidence thresholds required to predict the impact of this variant on KMT2B protein function. ClinVar contains an entry for this variant (Variation ID: 1956308).

NM_014727.3(KMT2B):c.7786G>A (p.Asp2596Asn)

Gene: KMT2B (lysine methyltransferase 2B; plus strand). Cytogenetic location: 19q13.12.
Variant type: single nucleotide variant.
Coding change: c.7786G>A on transcript NM_014727.3 (MANE Select); coding-DNA position 7786, G replaced by A.
Protein change: p.Asp2596Asn; replaces aspartic acid 2596 with asparagine.
Molecular consequence: missense variant.
Genome position (GRCh38, 1-based): chr19:35,738,105, G>A. VCF-style: chr19-35738105-G-A. GRCh37 (hg19) VCF-style: chr19-36229006-G-A.
Other names: short protein forms D2596N.
Identifiers: ClinVar variation 1956308 (VCV001956308.5), dbSNP rs1454911801, ClinGen allele CA405439044.